The following is an entry in ClinVar:

ClinVar aggregate classification (germline): Uncertain significance (1 of 4 stars; one submission).

Allele frequency attached by ClinVar (database versions not stated): gnomAD exomes below 0.00001.

Submission:

GeneDx
Classification: Uncertain significance. Last evaluated: 2021-04-30. Review status: criteria provided, single submitter. Criteria: GeneDx Variant Classification Process June 2021. Collection method: clinical testing. Allele origin: germline. Affected: yes.
Comment: Not observed in large population cohorts (Lek et al., 2016); In silico analysis supports that this missense variant has a deleterious effect on protein structure/function; In silico analysis, which includes splice predictors and evolutionary conservation, suggests this variant may impact gene splicing. In the absence of RNA/functional studies, the actual effect of this sequence change is unknown.; Has not been previously published as pathogenic or benign to our knowledge

NM_006767.4(LZTR1):c.685T>A (p.Cys229Ser)

Gene: LZTR1 (leucine zipper like post translational regulator 1; plus strand). Cytogenetic location: 22q11.21.
Variant type: single nucleotide variant.
Coding change: c.685T>A on transcript NM_006767.4 (MANE Select); coding-DNA position 685, T replaced by A.
Protein change: p.Cys229Ser; replaces cysteine 229 with serine.
Molecular consequence: missense variant.
Genome position (GRCh38, 1-based): chr22:20,990,419, T>A. VCF-style: chr22-20990419-T-A. GRCh37 (hg19) VCF-style: chr22-21344708-T-A.
Other names: short protein forms C229S.
Identifiers: ClinVar variation 1320668 (VCV001320668.2), dbSNP rs886041925, ClinGen allele CA410780477.
Genomic context (GRCh38, chr22:20,990,419, plus strand): 5'-GGGCTGAGCTGTCCTCTCCCCCTGCAGGTGGCCCAGAGTGGCGAGATCCCCCCATCTTGC[T>A]GCAACTTCCCCGTGGCTGTGTGCCGGGACAAGATGTTTGTATTCTCTGGGCAAAGCGGAG-3'
Protein context (NP_006758.2, residues 219-239): AQSGEIPPSC[Cys229Ser]NFPVAVCRDK